The following is an entry in ClinVar:

NM_001042492.3(NF1):c.4213G>A (p.Val1405Ile)

Gene: NF1 (neurofibromin 1; plus strand). Cytogenetic location: 17q11.2.
Variant type: single nucleotide variant.
Coding change: c.4213G>A on transcript NM_001042492.3 (MANE Select); coding-DNA position 4213, G replaced by A.
Protein change: p.Val1405Ile; replaces valine 1405 with isoleucine.
Molecular consequence: missense variant.
Genome position (GRCh38, 1-based): chr17:31,258,383, G>A. VCF-style: chr17-31258383-G-A. GRCh37 (hg19) VCF-style: chr17-29585401-G-A.
Other names: c.4150G>A, p.Val1384Ile (NM_000267.4); short protein forms V1405I, V1384I.
Identifiers: ClinVar variation 855260 (VCV000855260.6), dbSNP rs1256219174, ClinGen allele CA398997711.
Genomic context (GRCh38, chr17:31,258,383, plus strand): 5'-TTCTCAACTCCTTGTTTTTAGGTGGTTAGCCAGCGTTTCCCTCAGAACAGCATCGGTGCA[G>A]TAGGAAGTGCCATGTTCCTCAGATTTATCAATCCTGCCATTGTCTCACCGTATGAAGCAG-3'
Protein context (NP_001035957.1, residues 1395-1415): QRFPQNSIGA[Val1405Ile]GSAMFLRFIN

ClinVar aggregate classification (germline): Uncertain significance (1 of 4 stars; one submission).

Conditions:
Neurofibromatosis, type 1 (NF1). Also called: Neurofibromatosis, type I; VON RECKLINGHAUSEN DISEASE; Peripheral type neurofibromatosis; NEUROFIBROMATOSIS, TYPE I, SOMATIC. Identifiers: Orphanet 636, MedGen C0027831, MONDO:0018975, OMIM 162200. Disease mechanism: loss of function.

Allele frequency attached by ClinVar (database versions not stated): gnomAD exomes below 0.00001; gnomAD 0.00001; TOPMed 0.00001.
gnomAD v4.1: 2 of 1,613,758 alleles (0.00012%); highest among the groups gnomAD compares: Non-Finnish European, 0.00017%; no homozygotes.

Submission:

Labcorp Genetics (formerly Invitae), Labcorp
Classification: Uncertain significance for Neurofibromatosis, type 1. Last evaluated: 2019-12-06. Review status: criteria provided, single submitter. Criteria: Invitae Variant Classification Sherloc (09022015). Collection method: clinical testing. Allele origin: germline.
Comment: In summary, the available evidence is currently insufficient to determine the role of this variant in disease. Therefore, it has been classified as a Variant of Uncertain Significance. Algorithms developed to predict the effect of missense changes on protein structure and function are either unavailable or do not agree on the potential impact of this missense change (SIFT: "Deleterious"; PolyPhen-2: "Benign"; Align-GVGD: "Class C0"). This variant has not been reported in the literature in individuals with NF1-related conditions. This variant is not present in population databases (ExAC no frequency). This sequence change replaces valine with isoleucine at codon 1384 of the NF1 protein (p.Val1384Ile). The valine residue is highly conserved and there is a small physicochemical difference between valine and isoleucine.